The following is an entry in ClinVar:

ClinVar aggregate classification (germline): Likely pathogenic (1 of 4 stars; one submission).

Conditions:
Nephrotic syndrome, type 24. Identifiers: Orphanet 567548, MedGen C5543267, MONDO:0031008, OMIM 619263.

gnomAD v4.1: 2 of 1,613,254 alleles (0.00012%); highest among the groups gnomAD compares: Non-Finnish European, 0.00017%; no homozygotes.

Submission:

Diagnostics Division, CENTRE FOR DNA FINGERPRINTING AND DIAGNOSTICS
Classification: Likely pathogenic for Nephrotic syndrome, type 24. Review status: criteria provided, single submitter. Criteria: ACMG Guidelines, 2015. Collection method: research. Allele origin: germline. Inheritance: Autosomal recessive inheritance. Affected: yes. Observed: 2 homozygotes.
Comment: The identified homozygous nonsense variant NM_001201427.2(DAAM2):c.196C>T in the DAAM2 gene results in a premature termination codon predicted to cause nonsense-mediated decay (NMD), fulfilling PVS1 (Very Strong). Loss-of-function in DAAM2 is a well-established mechanism for Nephrotic syndrome, type 24 (OMIM: 619263). This variant is absent in population databases such as gnomAD, with good coverage (genomes: 31.9; exomes: 39.3) and no observed homozygous alleles (homozygous allele count = 0), fulfilling PM2 (Supporting). The truncated region affects a functional domain ('GBD/FH3') of the DAAM2 protein, which has been implicated in disease pathogenicity. Moreover, DAAM2 variants have been demonstrated to cause Nephrotic Syndrome through actin dysregulation, as reported in PMID: 33232676. This evidence supports the role of DAAM2 loss-of-function in disease manifestation. Based on the available evidence, this variant is classified as Likely Pathogenic.

Literature cited by the submitters: PMC PMC7820625.

NM_001201427.2(DAAM2):c.196C>T (p.Arg66Ter)

Gene: DAAM2 (dishevelled associated activator of morphogenesis 2; plus strand). Cytogenetic location: 6p21.2.
Variant type: single nucleotide variant.
Coding change: c.196C>T on transcript NM_001201427.2 (MANE Select); coding-DNA position 196, C replaced by T.
Protein change: p.Arg66Ter; replaces arginine 66 with a stop codon.
Molecular consequence: nonsense.
Genome position (GRCh38, 1-based): chr6:39,860,955, C>T. VCF-style: chr6-39860955-C-T. GRCh37 (hg19) VCF-style: chr6-39828731-C-T.
Other names: c.196C>T, p.Arg66Ter (NM_015345.4); short protein forms R66*.
Identifiers: ClinVar variation 3391004 (VCV003391004.1).